The following is an entry in ClinVar:

NM_001005242.3(PKP2):c.939C>T (p.Ser313=)

Gene: PKP2 (plakophilin 2; minus strand). Cytogenetic location: 12p11.21.
Variant type: single nucleotide variant.
Coding change: c.939C>T on transcript NM_001005242.3 (MANE Select); coding-DNA position 939, C replaced by T.
Protein change: p.Ser313=; no amino-acid change (serine 313 retained).
Molecular consequence: synonymous variant.
Genome position (GRCh38, 1-based): chr12:32,877,941, G>A on the plus strand (C>T on the coding strand, the complement: PKP2 is on the minus strand). VCF-style: chr12-32877941-G-A. GRCh37 (hg19) VCF-style: chr12-33030875-G-A.
Other names: p.Ser313=; c.939C>T, p.Ser313= (NM_004572.4); c.939C>T (NM_001005242.2).
Identifiers: ClinVar variation 45089 (VCV000045089.54), dbSNP rs61729381, ClinGen allele CA012559.
Genomic context (GRCh38, chr12:32,877,941, plus strand): 5'-GAGCAGATTCCCACTTCCCCCTGCGGCCGCCTGGCCGACAGTCAAGTGCGCTCTCCTCCC[G>A]CTGGAATCCACGGCGACACTGGGCCCAGCTTCCCTCAGCGTGCGGGTGCTGTGGAAGGAG-3'
Protein context (NP_001005242.2, residues 303-323): EAGPSVAVDS[Ser313=]GRRAHLTVGQ

ClinVar aggregate classification (germline): Benign/Likely benign. Review status: criteria provided, multiple submitters, no conflicts (2 of 4 stars). 12 submissions from 12 submitters: Benign (7); Likely benign (4). 1 of the submissions does not count toward it. Last evaluated 2026-02-03.

Conditions:
Cardiomyopathy (CMYO). Also called: Cardiomyopathies. Identifiers: Orphanet 167848, MedGen C0878544, MONDO:0004994, HP:0001638. Inheritance: Various modes of inheritance.
Arrhythmogenic right ventricular dysplasia 9 (ARVD9). Also called: Arrhythmogenic Right Ventricular Dysplasia/Cardiomyopathy 9; ARRHYTHMOGENIC RIGHT VENTRICULAR DYSPLASIA, FAMILIAL, 9. Identifiers: MedGen C1836906, MONDO:0012180, OMIM 609040.

Allele frequency attached by ClinVar (database versions not stated): gnomAD exomes 0.00021 and 0.00060; ExAC 0.00078; gnomAD 0.00220 and 0.00229; TOPMed 0.00234; 1000 Genomes Project 0.00260; 1000 Genomes Project 30x 0.00281; ESP Exome Variant Server 0.00315.
gnomAD v4.1: 643 of 1,614,114 alleles (0.04%); highest among the groups gnomAD compares: African/African-American, 0.77%; 4 homozygotes.

Submissions (12):

Labcorp Genetics (formerly Invitae), Labcorp
Classification: Benign for Arrhythmogenic right ventricular dysplasia 9. Last evaluated: 2026-02-03. Review status: criteria provided, single submitter. Criteria: Invitae Variant Classification Sherloc (09022015). Collection method: clinical testing. Allele origin: germline.

Mayo Clinic Laboratories, Mayo Clinic
Classification: Likely benign. Last evaluated: 2025-06-12. Review status: criteria provided, single submitter. Criteria: ACMG Guidelines, 2015. Collection method: clinical testing. Allele origin: germline. Observed: 7 variant alleles.

Molecular Diagnostic Laboratory for Inherited Cardiovascular Disease, Montreal Heart Institute
Classification: Benign. Last evaluated: 2025-04-09. Review status: criteria provided, single submitter. Criteria: ACMG Guidelines, 2015. Collection method: clinical testing. Allele origin: germline. Affected: no.
Comment: BS1;BP6;BP7

Blueprint Genetics
Classification: Likely benign. Last evaluated: 2024-10-09. Review status: criteria provided, single submitter. Criteria: ACMG Guidelines, 2015. Collection method: clinical testing. Allele origin: germline.

CeGaT Center for Human Genetics Tuebingen
Classification: Benign. Last evaluated: 2022-09-01. Review status: criteria provided, single submitter. Criteria: CeGaT Center For Human Genetics Tuebingen Variant Classification Criteria Version 2. Collection method: clinical testing. Allele origin: germline. Affected: yes. Observed: 1 variant allele.
Comment: PKP2: BS1, BS2

GeneDx
Classification: Likely benign. Last evaluated: 2022-04-27. Review status: criteria provided, single submitter. Criteria: GeneDx Variant Classification Process June 2021. Collection method: clinical testing. Allele origin: germline. Affected: yes.
Comment: See Variant Classification Assertion Criteria.

Color Diagnostics, LLC DBA Color Health
Classification: Benign for Cardiomyopathy. Last evaluated: 2018-11-25. Review status: criteria provided, single submitter. Criteria: ACMG Guidelines, 2015. Collection method: clinical testing. Allele origin: germline.

Illumina Laboratory Services, Illumina
Classification: Likely benign for Arrhythmogenic right ventricular dysplasia 9. Last evaluated: 2018-01-12. Review status: criteria provided, single submitter. Criteria: ICSL Variant Classification Criteria 13 December 2019. Collection method: clinical testing. Allele origin: germline.
Comment: This variant was observed in the ICSL laboratory as part of a predisposition screen in an ostensibly healthy population. It had not been previously curated by ICSL or reported in the Human Gene Mutation Database (HGMD: prior to June 1st, 2018), and was therefore a candidate for classification through an automated scoring system. Utilizing variant allele frequency, disease prevalence and penetrance estimates, and inheritance mode, an automated score was calculated to assess if this variant is too frequent to cause the disease. Based on the score and internal cut-off values, a variant classified as likely benign is not then subjected to further curation. The score for this variant resulted in a classification of likely benign for this disease.

CHEO Genetics Diagnostic Laboratory, Children's Hospital of Eastern Ontario
Classification: Benign for Cardiomyopathy. Last evaluated: 2016-11-25. Review status: criteria provided, single submitter. Criteria: ACMG Guidelines, 2015. Collection method: clinical testing. Allele origin: germline. Study: Canadian Open Genetics Repository.

Clinical Genetics DNA and cytogenetics Diagnostics Lab, Erasmus MC, Erasmus Medical Center
Classification: Benign for Arrhythmogenic right ventricular dysplasia 9. Last evaluated: 2015-09-21. Review status: criteria provided, single submitter. Criteria: ACGS Guidelines, 2013. Collection method: clinical testing. Allele origin: germline. Affected: yes. Study: VKGL Data-share Consensus.

Laboratory for Molecular Medicine, Mass General Brigham Personalized Medicine
Classification: Benign. Last evaluated: 2012-02-07. Review status: criteria provided, single submitter. Criteria: LMM Criteria. Collection method: clinical testing. Allele origin: germline. Observed: 6 variant alleles.

Clinical Genetics, Academic Medical Center
Classification: Benign. Review status: no assertion criteria provided. Collection method: clinical testing. Allele origin: germline. Affected: yes. Study: VKGL Data-share Consensus. Not counted in ClinVar's aggregate classification.